The following is an entry in ClinVar:

ClinVar aggregate classification (germline): Conflicting classifications of pathogenicity. Review status: criteria provided, conflicting classifications (1 of 4 stars). 4 submissions from 4 submitters: Uncertain significance (3); Likely benign (1). Last evaluated 2026-01-06.

Conditions:
Alstrom syndrome (ALMS). Identifiers: Orphanet 64, MedGen C0268425, MONDO:0008763, OMIM 203800.
Cardiovascular phenotype. Identifiers: MedGen CN230736.

Allele frequency attached by ClinVar (database versions not stated): gnomAD exomes below 0.00001; gnomAD 0.00001; TOPMed 0.00001; ExAC 0.00003.
gnomAD v4.1: 11 of 1,595,784 alleles (0.00069%); highest among the groups gnomAD compares: Non-Finnish European, 0.00085%; no homozygotes.

Submissions (4):

Ambry Genetics
Classification: Likely benign for Cardiovascular phenotype. Last evaluated: 2026-01-06. Review status: criteria provided, single submitter. Criteria: Ambry Variant Classification Scheme 2023. Collection method: clinical testing. Allele origin: germline.

Labcorp Genetics (formerly Invitae), Labcorp
Classification: Uncertain significance for Alstrom syndrome. Last evaluated: 2025-01-30. Review status: criteria provided, single submitter. Criteria: Invitae Variant Classification Sherloc (09022015). Collection method: clinical testing. Allele origin: germline.
Comment: This sequence change replaces glutamic acid, which is acidic and polar, with lysine, which is basic and polar, at codon 72 of the ALMS1 protein (p.Glu72Lys). The frequency data for this variant in the population databases is considered unreliable, as metrics indicate poor data quality at this position in the gnomAD database. This variant has not been reported in the literature in individuals affected with ALMS1-related conditions. ClinVar contains an entry for this variant (Variation ID: 1311525). Experimental studies and prediction algorithms are not available or were not evaluated, and the functional significance of this variant is currently unknown. In summary, the available evidence is currently insufficient to determine the role of this variant in disease. Therefore, it has been classified as a Variant of Uncertain Significance.

Fulgent Genetics
Classification: Uncertain significance for Alstrom syndrome. Last evaluated: 2021-07-22. Review status: criteria provided, single submitter. Criteria: ACMG Guidelines, 2015. Collection method: clinical testing. Allele origin: unknown.

GeneDx
Classification: Uncertain significance. Last evaluated: 2020-01-20. Review status: criteria provided, single submitter. Criteria: GeneDx Variant Classification Process June 2021. Collection method: clinical testing. Allele origin: germline. Affected: yes.
Comment: Not observed at a significant frequency in large population cohorts (Lek et al., 2016); In silico analysis, which includes protein predictors and evolutionary conservation, supports that this variant does not alter protein structure/function; Has not been previously published as pathogenic or benign to our knowledge

NM_001378454.1(ALMS1):c.211G>A (p.Glu71Lys)

Gene: ALMS1 (ALMS1 centrosome and basal body associated protein; plus strand). Cytogenetic location: 2p13.1.
Variant type: single nucleotide variant.
Coding change: c.211G>A on transcript NM_001378454.1 (MANE Select); coding-DNA position 211, G replaced by A.
Protein change: p.Glu71Lys; replaces glutamic acid 71 with lysine.
Molecular consequence: missense variant.
Genome position (GRCh38, 1-based): chr2:73,386,079, G>A. VCF-style: chr2-73386079-G-A. GRCh37 (hg19) VCF-style: chr2-73613207-G-A.
Other names: c.214G>A, p.Glu72Lys (NM_015120.4); short protein forms E71K, E72K.
Identifiers: ClinVar variation 1311525 (VCV001311525.8), dbSNP rs757131983, ClinGen allele CA1712769.